The following is an entry in ClinVar:

NM_177438.3(DICER1):c.3461G>T (p.Arg1154Ile)

Gene: DICER1 (dicer 1, ribonuclease III; minus strand). Cytogenetic location: 14q32.13.
Variant type: single nucleotide variant.
Coding change: c.3461G>T on transcript NM_177438.3 (MANE Select); coding-DNA position 3461, G replaced by T.
Protein change: p.Arg1154Ile; replaces arginine 1154 with isoleucine.
Molecular consequence: missense variant.
Genome position (GRCh38, 1-based): chr14:95,103,935, C>A on the plus strand (G>T on the coding strand, the complement: DICER1 is on the minus strand). VCF-style: chr14-95103935-C-A. GRCh37 (hg19) VCF-style: chr14-95570272-C-A.
Other names: c.3461G>T, p.Arg1154Ile (NM_001195573.1, NM_001271282.3, NM_001291628.2 and 1 more transcripts); short protein forms R1154I.
Identifiers: ClinVar variation 477141 (VCV000477141.10), dbSNP rs1555369626, ClinGen allele CA390875332.
Genomic context (GRCh38, chr14:95,103,935, plus strand): 5'-GCTGTAAGATCTGCTGAAACTTCAACGTGGAGCTTACCAGGGGACTCGCTGAGCAACGTT[C>A]TGCAGTTCACAGACATTTGGTCATGATTTTCTAGAGAGGAGGTTCTATTAGCACCTTGAT-3'
Protein context (NP_803187.1, residues 1144-1164): ENHDQMSVNC[Arg1154Ile]TLLSESPGKL

ClinVar aggregate classification (germline): Uncertain significance (1 of 4 stars; one submission).

Conditions:
DICER1-related tumor predisposition. Also called: DICER1-related pleuropulmonary blastoma cancer predisposition syndrome; DICER1 syndrome. Identifiers: Orphanet 284343, MedGen C3839822, MONDO:0100216.

Submission:

Labcorp Genetics (formerly Invitae), Labcorp
Classification: Uncertain significance for DICER1-related tumor predisposition. Last evaluated: 2017-05-21. Review status: criteria provided, single submitter. Criteria: Invitae Variant Classification Sherloc (09022015). Collection method: clinical testing. Allele origin: germline.
Comment: This variant is not present in population databases (ExAC no frequency). This sequence change replaces arginine with isoleucine at codon 1154 of the DICER1 protein (p.Arg1154Ile). The arginine residue is weakly conserved and there is a moderate physicochemical difference between arginine and isoleucine. This variant has not been reported in the literature in individuals with a DICER1-related disease. Algorithms developed to predict the effect of missense changes on protein structure and function (SIFT, PolyPhen-2, Align-GVGD) all suggest that this variant is likely to be tolerated, but these predictions have not been confirmed by published functional studies and their clinical significance is uncertain. In summary, this variant has uncertain impact on DICER1 function. The available evidence is currently insufficient to determine its role in disease. Therefore, it has been classified as a Variant of Uncertain Significance.